The following is an entry in ClinVar:

NM_005159.5(ACTC1):c.399C>T (p.Ala133=)

Genes: ACTC1 (actin alpha cardiac muscle 1; minus strand), GJD2-DT (GJD2 divergent transcript; plus strand). Cytogenetic location: 15q14.
Variant type: single nucleotide variant.
Coding change: c.399C>T on transcript NM_005159.5 (MANE Select); coding-DNA position 399, C replaced by T.
Protein change: p.Ala133=; no amino-acid change (alanine 133 retained).
Molecular consequence: synonymous variant.
Genome position (GRCh38, 1-based): chr15:34,793,300, G>A on the plus strand (C>T on the coding strand, the complement: ACTC1 is on the minus strand). VCF-style: chr15-34793300-G-A. GRCh37 (hg19) VCF-style: chr15-35085501-G-A.
Other names: c.399C>T (LRG_388t1).
Identifiers: ClinVar variation 379043 (VCV000379043.22), dbSNP rs764630691, ClinGen allele CA041746.

ClinVar aggregate classification (germline): Likely benign. Review status: criteria provided, multiple submitters, no conflicts (2 of 4 stars). 6 submissions from 6 submitters: Likely benign (6). Last evaluated 2026-02-01.

Conditions:
Cardiovascular phenotype. Identifiers: MedGen CN230736.
Hypertrophic cardiomyopathy 11. Also called: ACTC1-Related Familial Hypertrophic Cardiomyopathy. Identifiers: MedGen C2677506, MONDO:0012799, OMIM 612098.
Dilated cardiomyopathy 1R (CMD1R). Identifiers: Orphanet 154, Orphanet 54260, MedGen C3150681, MONDO:0013261, OMIM 613424.
Atrial septal defect 5 (ASD5). Identifiers: Orphanet 1478, MedGen C2748552, MONDO:0013011, OMIM 612794.
Cardiomyopathy (CMYO). Also called: Cardiomyopathies. Identifiers: Orphanet 167848, MedGen C0878544, MONDO:0004994, HP:0001638. Inheritance: Various modes of inheritance.
Hypertrophic cardiomyopathy. Also called: HYPERTROPHIC MYOCARDIOPATHY. Identifiers: Orphanet 217569, MedGen C0007194, MeSH D002312, MONDO:0005045, HP:0001639.

Allele frequency attached by ClinVar (database versions not stated): ExAC 0.00002; gnomAD exomes 0.00002 and 0.00003; TOPMed 0.00002; gnomAD 0.00003.
gnomAD v4.1: 43 of 1,614,038 alleles (0.0027%); highest among the groups gnomAD compares: Middle Eastern, 0.082%; no homozygotes.

Submissions (6):

Labcorp Genetics (formerly Invitae), Labcorp
Classification: Likely benign for Dilated cardiomyopathy 1R; Hypertrophic cardiomyopathy 11; Atrial septal defect 5. Last evaluated: 2026-02-01. Review status: criteria provided, single submitter. Criteria: Invitae Variant Classification Sherloc (09022015). Collection method: clinical testing. Allele origin: germline.

All of Us Research Program, National Institutes of Health
Classification: Likely benign for Hypertrophic cardiomyopathy. Last evaluated: 2024-02-05. Review status: criteria provided, single submitter. Criteria: ACMG Guidelines, 2015. Collection method: clinical testing. Allele origin: germline. Inheritance: Autosomal dominant inheritance. Observed: 19 variant alleles, 19 heterozygotes.
Comment: This study involves interpretation of variants in research participants for the purpose of population health screening. Participant phenotype was not available at the time of variant classification. Additional details can be found in publication PMID: 35346344, PMCID: PMC8962531

CHEO Genetics Diagnostic Laboratory, Children's Hospital of Eastern Ontario
Classification: Likely benign for Cardiomyopathy. Last evaluated: 2023-06-20. Review status: criteria provided, single submitter. Criteria: ACMG Guidelines, 2015. Collection method: clinical testing. Allele origin: germline.

Ambry Genetics
Classification: Likely benign for Cardiovascular phenotype. Last evaluated: 2021-06-30. Review status: criteria provided, single submitter. Criteria: Ambry Variant Classification Scheme 2023. Collection method: clinical testing. Allele origin: germline.

Color Diagnostics, LLC DBA Color Health
Classification: Likely benign for Cardiomyopathy. Last evaluated: 2019-07-09. Review status: criteria provided, single submitter. Criteria: ACMG Guidelines, 2015. Collection method: clinical testing. Allele origin: germline.

GeneDx
Classification: Likely benign. Last evaluated: 2019-04-17. Review status: criteria provided, single submitter. Criteria: GeneDx Variant Classification Process June 2021. Collection method: clinical testing. Allele origin: germline. Affected: yes.